The following is an entry in ClinVar:

ClinVar aggregate classification (germline): Conflicting classifications of pathogenicity. Review status: criteria provided, conflicting classifications (1 of 4 stars). 5 submissions from 5 submitters: Uncertain significance (1); Likely benign (4). Last evaluated 2025-02-10.

Conditions:
Inborn genetic diseases. Identifiers: MedGen C0950123, MeSH D030342.

Allele frequency attached by ClinVar (database versions not stated): TOPMed 0.00001; ExAC 0.00010; 1000 Genomes Project 30x 0.00016; 1000 Genomes Project 0.00020.
gnomAD v4.1: 92 of 1,585,364 alleles (0.0058%); highest among the groups gnomAD compares: Middle Eastern, 0.14%; 2 homozygotes.

Submissions (5):

Revvity Omics, Revvity
Classification: Uncertain significance. Last evaluated: 2025-02-10. Review status: criteria provided, single submitter. Criteria: ACMG Guidelines, 2015. Collection method: clinical testing. Allele origin: germline.

Ambry Genetics
Classification: Likely benign for Inborn genetic diseases. Last evaluated: 2024-08-27. Review status: criteria provided, single submitter. Criteria: Ambry Variant Classification Scheme 2023. Collection method: clinical testing. Allele origin: germline.

Labcorp Genetics (formerly Invitae), Labcorp
Classification: Likely benign. Last evaluated: 2024-07-31. Review status: criteria provided, single submitter. Criteria: Invitae Variant Classification Sherloc (09022015). Collection method: clinical testing. Allele origin: germline.

Blueprint Genetics
Classification: Likely benign. Last evaluated: 2024-02-27. Review status: criteria provided, single submitter. Criteria: ACMG Guidelines, 2015. Collection method: clinical testing. Allele origin: germline.

CeGaT Center for Human Genetics Tuebingen
Classification: Likely benign. Last evaluated: 2024-01-01. Review status: criteria provided, single submitter. Criteria: CeGaT Center For Human Genetics Tuebingen Variant Classification Criteria Version 2. Collection method: clinical testing. Allele origin: germline. Affected: yes. Observed: 1 variant allele.
Comment: RP1L1: BP4

NM_178857.6(RP1L1):c.36C>A (p.Ser12Arg)

Gene: RP1L1 (RP1 like 1). Cytogenetic location: 8p23.1.
Variant type: single nucleotide variant.
Coding change: c.36C>A on transcript NM_178857.6 (MANE Select); coding-DNA position 36, C replaced by A.
Protein change: p.Ser12Arg; replaces serine 12 with arginine.
Molecular consequence: missense variant.
Genome position (GRCh38, 1-based): chr8:10,623,166, G>T on the plus strand (C>A on the coding strand, the complement: RP1L1 is on the minus strand). VCF-style: chr8-10623166-G-T. GRCh37 (hg19) VCF-style: chr8-10480676-G-T.
Other names: c.36C>A (NM_178857.5); short protein forms S12R.
Identifiers: ClinVar variation 2421462 (VCV002421462.31), dbSNP rs560860762, ClinGen allele CA4625910.